The following is an entry in ClinVar:

NM_001114753.3(ENG):c.1047_1048dup (p.Cys350fs)

Gene: ENG (endoglin; minus strand). Cytogenetic location: 9q34.11.
Variant type: Duplication.
Coding change: c.1047_1048dup on transcript NM_001114753.3 (MANE Select); coding-DNA positions 1047 to 1048, 2 bases duplicated (TT; older notation c.1047_1048dupTT).
Protein change: p.Cys350fs; shifts the reading frame from cysteine 350.
Molecular consequence: frameshift variant.
Genome position (GRCh38, 1-based): chr9:127,824,390-127,824,391, AA duplicated on the plus strand (TT on the coding strand, the reverse complement: ENG is on the minus strand). VCF-style (leftmost placement, unchanged base first): chr9-127824389-C-CAA. GRCh37 (hg19) VCF-style: chr9-130586668-C-CAA.
Other names: c.1047_1048dup, p.Cys350fs (NM_000118.4, NM_001406715.1); c.501_502dup, p.Cys168fs (NM_001278138.2); short protein forms C168fs, C350fs.
Identifiers: ClinVar variation 3508490 (VCV003508490.1).
Genomic context (GRCh38, chr9:127,824,389, plus strand): 5'-AGGGTCATGGCGTCGTCGGCACACTTTGTCTGGATCAAGGACATGAGCAGCTCCGGGCTA[C>CAA]AAGTGTCCTTGGGAGGAGTGGTCTGGATCGGTGCGGGTGAGGTCTGCAGCCTACCACCTG-3'

ClinVar aggregate classification (germline): Pathogenic (1 of 4 stars; one submission).

Conditions:
Cardiovascular phenotype. Identifiers: MedGen CN230736.

Submission:

Ambry Genetics
Classification: Pathogenic for Cardiovascular phenotype. Last evaluated: 2024-07-18. Review status: criteria provided, single submitter. Criteria: Ambry Variant Classification Scheme 2023. Collection method: clinical testing. Allele origin: germline.
Comment: The c.1047_1048dupTT pathogenic mutation, located in coding exon 8 of the ENG gene, results from a duplication of TT at nucleotide position 1047, causing a translational frameshift with a predicted alternate stop codon (p.C350Ffs*10). This variant (referred to as c.1048_1049dupTT) has been detected in a hereditary hemorrhagic telangiectasia cohort; however, details were limited (Lesca G et al. Hum Mutat, 2004 Apr;23:289-99). This variant is considered to be rare based on population cohorts in the Genome Aggregation Database (gnomAD). This alteration is expected to result in loss of function by premature protein truncation or nonsense-mediated mRNA decay. As such, this alteration is interpreted as a disease-causing mutation.

Literature cited by the submitters: PubMed 15024723.